The following is an entry in ClinVar:

NM_005188.4(CBL):c.2438T>C (p.Val813Ala)

Gene: CBL (Cbl proto-oncogene; plus strand). Cytogenetic location: 11q23.3.
Variant type: single nucleotide variant.
Coding change: c.2438T>C on transcript NM_005188.4 (MANE Select); coding-DNA position 2438, T replaced by C.
Protein change: p.Val813Ala; replaces valine 813 with alanine.
Molecular consequence: missense variant.
Genome position (GRCh38, 1-based): chr11:119,299,498, T>C. VCF-style: chr11-119299498-T-C. GRCh37 (hg19) VCF-style: chr11-119170208-T-C.
Other names: short protein forms V813A.
Identifiers: ClinVar variation 3485633 (VCV003485633.1).
Genomic context (GRCh38, chr11:119,299,498, plus strand): 5'-GTTGTTAAATGAGGATTTCCCCAGATTTGCAAATATTTTCTTTCCTATTTCTTCTAGATG[T>C]CACTGAAGGTTCCCAAGTTCCCGAGAGGCCTCCAAAACCATTCCCGCGGAGAATCAACTC-3'
Protein context (NP_005179.2, residues 803-823): LSLDGDPTTN[Val813Ala]TEGSQVPERP

ClinVar aggregate classification (germline): Uncertain significance (1 of 4 stars; one submission).

Conditions:
Cardiovascular phenotype. Identifiers: MedGen CN230736.

Submission:

Ambry Genetics
Classification: Uncertain significance for Cardiovascular phenotype. Last evaluated: 2024-12-08. Review status: criteria provided, single submitter. Criteria: Ambry Variant Classification Scheme 2023. Collection method: clinical testing. Allele origin: germline.
Comment: The p.V813A variant (also known as c.2438T>C), located in coding exon 16 of the CBL gene, results from a T to C substitution at nucleotide position 2438. The valine at codon 813 is replaced by alanine, an amino acid with similar properties. This amino acid position is conserved. In addition, this alteration is predicted to be tolerated by in silico analysis. Based on the available evidence, the clinical significance of this variant remains unclear.